The following is an entry in ClinVar:

NM_182961.4(SYNE1):c.225+177C>A

Gene: SYNE1 (spectrin repeat containing nuclear envelope protein 1; minus strand). Cytogenetic location: 6q25.2.
Variant type: single nucleotide variant.
Coding change: c.225+177C>A on transcript NM_182961.4 (MANE Select); 177 bases into the intron after coding-DNA position 225, C replaced by A.
Molecular consequence: intron variant.
Genome position (GRCh38, 1-based): chr6:152,525,903, G>T on the plus strand (C>A on the coding strand, the complement: SYNE1 is on the minus strand). VCF-style: chr6-152525903-G-T. GRCh37 (hg19) VCF-style: chr6-152847038-G-T.
Other names: c.225+177C>A (NM_033071.5).
Identifiers: ClinVar variation 674757 (VCV000674757.1), dbSNP rs75402198, ClinGen allele CA12308915.

ClinVar aggregate classification (germline): Benign (1 of 4 stars; one submission).

Allele frequency attached by ClinVar (database versions not stated): 1000 Genomes Project 0.03075; 1000 Genomes Project 30x 0.03107; TOPMed 0.04307; gnomAD 0.04633 and 0.04672.
gnomAD v4.1: 7,042 of 152,190 alleles (4.6%); highest among the groups gnomAD compares: Non-Finnish European, 6.6%; 228 homozygotes.

Submission:

GeneDx
Classification: Benign. Last evaluated: 2018-06-16. Review status: criteria provided, single submitter. Criteria: GeneDx Variant Classification (06012015). Collection method: clinical testing. Allele origin: germline. Affected: yes.
Comment: This variant is considered likely benign or benign based on one or more of the following criteria: it is a conservative change, it occurs at a poorly conserved position in the protein, it is predicted to be benign by multiple in silico algorithms, and/or has population frequency not consistent with disease.